The following is an entry in ClinVar:

NM_000124.4(ERCC6):c.3500C>A (p.Ala1167Asp)

Gene: ERCC6 (ERCC excision repair 6, chromatin remodeling factor; minus strand). Cytogenetic location: 10q11.23.
Variant type: single nucleotide variant.
Coding change: c.3500C>A on transcript NM_000124.4 (MANE Select); coding-DNA position 3500, C replaced by A.
Protein change: p.Ala1167Asp; replaces alanine 1167 with aspartic acid.
Molecular consequence: missense variant.
Genome position (GRCh38, 1-based): chr10:49,470,460, G>T on the plus strand (C>A on the coding strand, the complement: ERCC6 is on the minus strand). VCF-style: chr10-49470460-G-T. GRCh37 (hg19) VCF-style: chr10-50678506-G-T.
Other names: c.3500C>A, p.Ala1167Asp (NM_001346440.2); short protein forms A1167D.
Identifiers: ClinVar variation 1916512 (VCV001916512.5), dbSNP rs1468186846, ClinGen allele CA376714293.

ClinVar aggregate classification (germline): Uncertain significance. Review status: criteria provided, multiple submitters, no conflicts (2 of 4 stars). 2 submissions from 2 submitters: Uncertain significance (2). Last evaluated 2024-10-25.

Conditions:
Inborn genetic diseases. Identifiers: MedGen C0950123, MeSH D030342.

Allele frequency attached by ClinVar (database versions not stated): TOPMed below 0.00001.
gnomAD v4.1: 1 of 1,614,096 alleles (0.000062%); highest among the groups gnomAD compares: Admixed American, 0.0017%; no homozygotes.

Submissions (2):

Labcorp Genetics (formerly Invitae), Labcorp
Classification: Uncertain significance. Last evaluated: 2024-10-25. Review status: criteria provided, single submitter. Criteria: Invitae Variant Classification Sherloc (09022015). Collection method: clinical testing. Allele origin: germline.
Comment: This sequence change replaces alanine, which is neutral and non-polar, with aspartic acid, which is acidic and polar, at codon 1167 of the ERCC6 protein (p.Ala1167Asp). This variant is present in population databases (no rsID available, gnomAD 0.003%). This variant has not been reported in the literature in individuals affected with ERCC6-related conditions. ClinVar contains an entry for this variant (Variation ID: 1916512). Invitae Evidence Modeling of protein sequence and biophysical properties (such as structural, functional, and spatial information, amino acid conservation, physicochemical variation, residue mobility, and thermodynamic stability) indicates that this missense variant is not expected to disrupt ERCC6 protein function with a negative predictive value of 95%. In summary, the available evidence is currently insufficient to determine the role of this variant in disease. Therefore, it has been classified as a Variant of Uncertain Significance.

Ambry Genetics
Classification: Uncertain significance for Inborn genetic diseases. Last evaluated: 2024-05-30. Review status: criteria provided, single submitter. Criteria: Ambry Variant Classification Scheme 2023. Collection method: clinical testing. Allele origin: germline.